The following is an entry in ClinVar:

NM_012123.4(MTO1):c.967_968del (p.Leu323fs)

Gene: MTO1 (mitochondrial tRNA translation optimization 1; plus strand). Cytogenetic location: 6q13.
Variant type: Deletion.
Coding change: c.967_968del on transcript NM_012123.4 (MANE Select); coding-DNA positions 967 to 968, 2 bases deleted (TT; older notation c.967_968delTT).
Protein change: p.Leu323fs; shifts the reading frame from leucine 323.
Molecular consequence: frameshift variant.
Genome position (GRCh38, 1-based): chr6:73,479,964-73,479,965, TT deleted; deleting any 2 consecutive bases within chr6:73,479,962-73,479,965 gives the same sequence; the c. name uses the placement nearest the transcript's 3' end. VCF-style (leftmost placement, unchanged base first): chr6-73479961-GTT-G. GRCh37 (hg19) VCF-style: chr6-74189684-GTT-G.
Other names: c.967_968del, p.Leu323fs (NM_001123226.2, NM_133645.3); short protein forms L323fs.
Identifiers: ClinVar variation 1455779 (VCV001455779.6), dbSNP rs2150035785, ClinGen allele CA2573141271.

ClinVar aggregate classification (germline): Pathogenic (1 of 4 stars; one submission).

Conditions:
Mitochondrial hypertrophic cardiomyopathy with lactic acidosis due to MTO1 deficiency. Also called: CARDIOMYOPATHY, INFANTILE HYPERTROPHIC MITOCHONDRIAL, AND LACTIC ACIDOSIS; Combined oxidative phosphorylation deficiency 10. Identifiers: Orphanet 314637, MedGen C4749921, MONDO:0013865, OMIM 614702.

Submission:

Labcorp Genetics (formerly Invitae), Labcorp
Classification: Pathogenic for Mitochondrial hypertrophic cardiomyopathy with lactic acidosis due to MTO1 deficiency. Last evaluated: 2022-07-05. Review status: criteria provided, single submitter. Criteria: Invitae Variant Classification Sherloc (09022015). Collection method: clinical testing. Allele origin: germline.
Comment: For these reasons, this variant has been classified as Pathogenic. ClinVar contains an entry for this variant (Variation ID: 1455779). This variant has not been reported in the literature in individuals affected with MTO1-related conditions. This variant is not present in population databases (gnomAD no frequency). This sequence change creates a premature translational stop signal (p.Leu323Alafs*14) in the MTO1 gene. It is expected to result in an absent or disrupted protein product. Loss-of-function variants in MTO1 are known to be pathogenic (PMID: 22608499, 25058219).

Literature cited by the submitters: PubMed 22608499; PubMed 25058219.